The following is an entry in ClinVar:

NM_001243279.3(ACSF3):c.706G>A (p.Asp236Asn)

Gene: ACSF3 (acyl-CoA synthetase family member 3; plus strand). Cytogenetic location: 16q24.3.
Variant type: single nucleotide variant.
Coding change: c.706G>A on transcript NM_001243279.3 (MANE Select); coding-DNA position 706, G replaced by A.
Protein change: p.Asp236Asn; replaces aspartic acid 236 with asparagine.
Molecular consequence: missense variant. On other transcripts: 5 prime UTR variant (1), non-coding transcript variant (3).
Genome position (GRCh38, 1-based): chr16:89,102,643, G>A. VCF-style: chr16-89102643-G-A. GRCh37 (hg19) VCF-style: chr16-89169051-G-A.
Other names: p.D236N:GAC>AAC; c.706G>A, p.Asp236Asn (NM_001127214.4, NM_174917.5); c.-90G>A (NM_001284316.2); short protein forms D236N.
Identifiers: ClinVar variation 203609 (VCV000203609.2), dbSNP rs752104014, ClinGen allele CA312316.
Genomic context (GRCh38, chr16:89,102,643, plus strand): 5'-CTGTGCTCTCGTCCCCTGCAGGTGACCGGGCTGGTCCACAAGTGGGCATGGACCAAAGAC[G>A]ACGTGATCCTCCACGTGCTCCCGCTGCACCACGTCCATGGTGTGGTCAACGCGCTGCTCT-3'
Protein context (NP_001230208.1, residues 226-246): LVHKWAWTKD[Asp236Asn]VILHVLPLHH

ClinVar aggregate classification (germline): Likely pathogenic (1 of 4 stars; one submission).

Allele frequency attached by ClinVar (database versions not stated): ExAC 0.00001; gnomAD exomes 0.00001.
gnomAD v4.1: 23 of 1,613,858 alleles (0.0014%); highest among the groups gnomAD compares: South Asian, 0.0022%; no homozygotes.

Submission:

GeneDx
Classification: Likely pathogenic. Last evaluated: 2013-10-03. Review status: criteria provided, single submitter. Criteria: GeneDx Variant Classification (06012015). Collection method: clinical testing. Allele origin: germline. Affected: yes.
Comment: This variant is denoted p.Asp236Asn at the protein level, c.706 G>A at the cDNA level, and results in the replacement of an Asparagine with an Aspartic Acid (GAC>AAC) in exon 4 of the ACSF3 gene (NM_174917.3). Mutations in the ACSF3 gene are associated with the autosomal recessive disorder combined malonic and methylmalonic aciduria. This variant has not been published as a mutation, nor has it been reported as a benign polymorphism to our knowledge. The amino acid change is non-conservative in that an uncharged Asparagine residue is replaced by a negatively charged Aspartic Acid residue. This change occurs at a highly conserved position in the ACSF3 protein, and multiple in-silico analysis programs predict that D236N is damaging to the ACSF3 protein. Therefore, D236N is a strong candidate for a disease-causing mutation, however the possibility that it is a benign variant cannot be excluded. The variant is found in MMA-MET panel(s).